The following is an entry in ClinVar:

NM_007194.4(CHEK2):c.500G>A (p.Gly167Glu)

Gene: CHEK2 (checkpoint kinase 2; minus strand). Cytogenetic location: 22q12.1.
Variant type: single nucleotide variant.
Coding change: c.500G>A on transcript NM_007194.4 (MANE Select); coding-DNA position 500, G replaced by A.
Protein change: p.Gly167Glu; replaces glycine 167 with glutamic acid.
Molecular consequence: missense variant. On other transcripts: 5 prime UTR variant (2), intron variant (1).
Genome position (GRCh38, 1-based): chr22:28,725,069, C>T on the plus strand (G>A on the coding strand, the complement: CHEK2 is on the minus strand). VCF-style: chr22-28725069-C-T. GRCh37 (hg19) VCF-style: chr22-29121057-C-T.
Other names: p.G167E:GGA>GAA; c.629G>A, p.Gly210Glu (NM_001005735.3, NM_001438294.1); c.-278G>A (NM_001257387.3); c.-164G>A (NM_001437942.1); c.593G>A, p.Gly198Glu (NM_001438293.1, NM_001438295.1); c.500G>A, p.Gly167Glu (NM_145862.3); c.445-146G>A (NM_001349956.3); short protein forms G167E, G210E, G198E.
Identifiers: ClinVar variation 128078 (VCV000128078.22), dbSNP rs144850845, ClinGen allele CA288314.

ClinVar aggregate classification (germline): Conflicting classifications of pathogenicity. Review status: criteria provided, conflicting classifications (1 of 4 stars). 5 submissions from 5 submitters: Pathogenic (1); Uncertain significance (4). Last evaluated 2026-01-11.

Conditions:
Hereditary cancer-predisposing syndrome. Also called: Hereditary neoplastic syndrome; Neoplastic Syndromes, Hereditary; Hereditary Cancer Syndrome; Tumor predisposition. Identifiers: Orphanet 140162, MedGen C0027672, MeSH D009386, MONDO:0015356.
Familial cancer of breast. Also called: Hereditary breast cancer; BREAST CANCER, FAMILIAL; hereditary breast carcinoma. Identifiers: Orphanet 227535, MedGen C0346153, MONDO:0016419, OMIM 114480. Disease mechanism: loss of function.

Allele frequency attached by ClinVar (database versions not stated): gnomAD exomes below 0.00001 and 0.00001; ExAC 0.00001; gnomAD 0.00002; TOPMed 0.00002; ESP Exome Variant Server 0.00008.
gnomAD v4.1: 4 of 1,613,950 alleles (0.00025%); highest among the groups gnomAD compares: Admixed American, 0.0033%; no homozygotes.

Submissions (5):

Labcorp Genetics (formerly Invitae), Labcorp
Classification: Uncertain significance for Familial cancer of breast. Last evaluated: 2026-01-11. Review status: criteria provided, single submitter. Criteria: Invitae Variant Classification Sherloc (09022015). Collection method: clinical testing. Allele origin: germline.
Comment: This sequence change replaces glycine, which is neutral and non-polar, with glutamic acid, which is acidic and polar, at codon 167 of the CHEK2 protein (p.Gly167Glu). This variant is present in population databases (rs144850845, gnomAD 0.002%). This missense change has been observed in individual(s) with breast cancer (PMID: 30613976, 37449874). This variant is also known as Gly210Glu. ClinVar contains an entry for this variant (Variation ID: 128078). An algorithm developed to predict the effect of missense changes on protein structure and function (PolyPhen-2) suggests that this variant is likely to be disruptive. Experimental studies have shown that this missense change affects CHEK2 function (PMID: 37449874). This variant disrupts the p.Gly167 amino acid residue in CHEK2. Other variant(s) that disrupt this residue have been determined to be pathogenic (PMID: 15095295, 22419737, 25452411, 25503501, 26976419, 27616075; internal data). This suggests that this residue is clinically significant, and that variants that disrupt this residue are likely to be disease-causing. In summary, the available evidence is currently insufficient to determine the role of this variant in disease. Therefore, it has been classified as a Variant of Uncertain Significance.

Laboratorio de I+D, Fundación Centro Médico de Asturias
Classification: Pathogenic for Hereditary cancer-predisposing syndrome. Last evaluated: 2025-07-10. Review status: criteria provided, single submitter. Criteria: ACMG Guidelines, 2015. Collection method: clinical testing. Allele origin: germline. Affected: yes.
Comment: PM5_Strong+PP3_Strong+PM1+PM2_Supporting

Ambry Genetics
Classification: Uncertain significance for Hereditary cancer-predisposing syndrome. Last evaluated: 2024-07-15. Review status: criteria provided, single submitter. Criteria: Ambry Variant Classification Scheme 2023. Collection method: clinical testing. Allele origin: germline.
Comment: The p.G167E variant (also known as c.500G>A), located in coding exon 3 of the CHEK2 gene, results from a G to A substitution at nucleotide position 500. The glycine at codon 167 is replaced by glutamic acid, an amino acid with similar properties. This alteration was reported as functionally impaired in a study assessing CHEK2-complementation through quantification of KAP1 phosphorylation and CHK2 autophosphorylation in human RPE1-CHEK2-knockout cells (Stolarova L et al. Clin Cancer Res, 2023 Aug;29:3037-3050). This amino acid position is highly conserved in available vertebrate species. In addition, this alteration is predicted to be deleterious by in silico analysis. Based on the available evidence, the clinical significance of this variant remains unclear.

Color Diagnostics, LLC DBA Color Health
Classification: Uncertain significance for Hereditary cancer-predisposing syndrome. Last evaluated: 2024-02-13. Review status: criteria provided, single submitter. Criteria: ACMG Guidelines, 2015. Collection method: clinical testing. Allele origin: germline.
Comment: This missense variant replaces glycine with glutamic acid at codon 167 of the CHEK2 protein. Computational prediction suggests that this variant may have deleterious impact on protein structure and function. To our knowledge, functional studies have not been reported for this variant. This variant has not been reported in individuals affected with hereditary cancer in the literature. Another variant at this position (p.Gly167Arg) has been classified as likely pathogenic (ClinVar Variation ID: 142524), suggesting this position may be important for function. This variant has been identified in 2/251428 chromosomes in the general population by the Genome Aggregation Database (gnomAD). The available evidence is insufficient to determine the role of this variant in disease conclusively. Therefore, this variant is classified as a Variant of Uncertain Significance.

GeneDx
Classification: Uncertain significance. Last evaluated: 2023-03-28. Review status: criteria provided, single submitter. Criteria: GeneDx Variant Classification Process June 2021. Collection method: clinical testing. Allele origin: germline. Affected: yes.
Comment: Observed in individuals with male breast cancer or pancreatic cancer (Rizzolo et al., 2019; Rapposelli et al., 2021); In silico analysis supports that this missense variant has a deleterious effect on protein structure/function; Not observed at significant frequency in large population cohorts (gnomAD); Also known as c.629G>A p.Gly210Glu; This variant is associated with the following publications: (PMID: 25503501, 22419737, 25452411, 15095295, 27616075, 26976419, 19782031, 30613976, 34034685, 31398194)

Literature cited by the submitters: PubMed 30613976 (cited by Labcorp Genetics (formerly Invitae), Labcorp); PubMed 37449874 (cited by Labcorp Genetics (formerly Invitae), Labcorp and Ambry Genetics); PubMed 15095295 (cited by Labcorp Genetics (formerly Invitae), Labcorp); PubMed 22419737 (cited by Labcorp Genetics (formerly Invitae), Labcorp); PubMed 25452411 (cited by Labcorp Genetics (formerly Invitae), Labcorp); PubMed 25503501 (cited by Labcorp Genetics (formerly Invitae), Labcorp); PubMed 26976419 (cited by Labcorp Genetics (formerly Invitae), Labcorp); PubMed 27616075 (cited by Labcorp Genetics (formerly Invitae), Labcorp); PubMed 34034685 (cited by Ambry Genetics).